The following is an entry in ClinVar:

ClinVar aggregate classification (germline): Uncertain significance. Review status: criteria provided, multiple submitters, no conflicts (2 of 4 stars). 2 submissions from 2 submitters: Uncertain significance (2). Last evaluated 2025-03-25.

Conditions:
Inborn genetic diseases. Identifiers: MedGen C0950123, MeSH D030342.

Allele frequency attached by ClinVar (database versions not stated): ExAC 0.00001; gnomAD 0.00002; TOPMed 0.00003; 1000 Genomes Project 30x 0.00031; 1000 Genomes Project 0.00040.
gnomAD v4.1: 10 of 1,613,826 alleles (0.00062%); highest among the groups gnomAD compares: African/African-American, 0.011%; no homozygotes.

Submissions (2):

Ambry Genetics
Classification: Uncertain significance for Inborn genetic diseases. Last evaluated: 2025-03-25. Review status: criteria provided, single submitter. Criteria: Ambry Variant Classification Scheme 2023. Collection method: clinical testing. Allele origin: germline.

Labcorp Genetics (formerly Invitae), Labcorp
Classification: Uncertain significance. Last evaluated: 2022-06-14. Review status: criteria provided, single submitter. Criteria: Invitae Variant Classification Sherloc (09022015). Collection method: clinical testing. Allele origin: germline.
Comment: This variant has not been reported in the literature in individuals affected with TRRAP-related conditions. This variant is present in population databases (rs373245645, gnomAD 0.01%). This sequence change replaces serine, which is neutral and polar, with threonine, which is neutral and polar, at codon 2488 of the TRRAP protein (p.Ser2488Thr). Algorithms developed to predict the effect of missense changes on protein structure and function (SIFT, PolyPhen-2, Align-GVGD) all suggest that this variant is likely to be tolerated. In summary, the available evidence is currently insufficient to determine the role of this variant in disease. Therefore, it has been classified as a Variant of Uncertain Significance.

NM_001375524.1(TRRAP):c.7538G>C (p.Ser2513Thr)

Gene: TRRAP (transformation/transcription domain associated protein; plus strand). Cytogenetic location: 7q22.1.
Variant type: single nucleotide variant.
Coding change: c.7538G>C on transcript NM_001375524.1 (MANE Select); coding-DNA position 7538, G replaced by C.
Protein change: p.Ser2513Thr; replaces serine 2513 with threonine.
Molecular consequence: missense variant.
Genome position (GRCh38, 1-based): chr7:98,970,137, G>C. VCF-style: chr7-98970137-G-C. GRCh37 (hg19) VCF-style: chr7-98567760-G-C.
Other names: c.7517G>C, p.Ser2506Thr (NM_001244580.2); c.7463G>C, p.Ser2488Thr (NM_003496.4); c.7517G>C (NM_001244580.1); short protein forms S2488T, S2513T, S2506T.
Identifiers: ClinVar variation 1924391 (VCV001924391.6), dbSNP rs373245645, ClinGen allele CA4361178.